The following is an entry in ClinVar:

NM_005609.4(PYGM):c.832C>T (p.Arg278Cys)

Gene: PYGM (glycogen phosphorylase, muscle associated; minus strand). Cytogenetic location: 11q13.1.
Variant type: single nucleotide variant.
Coding change: c.832C>T on transcript NM_005609.4 (MANE Select); coding-DNA position 832, C replaced by T.
Protein change: p.Arg278Cys; replaces arginine 278 with cysteine.
Molecular consequence: missense variant.
Genome position (GRCh38, 1-based): chr11:64,755,296, G>A on the plus strand (C>T on the coding strand, the complement: PYGM is on the minus strand). VCF-style: chr11-64755296-G-A. GRCh37 (hg19) VCF-style: chr11-64522768-G-A.
Other names: c.568C>T, p.Arg190Cys (NM_001164716.1); short protein forms R190C, R278C.
Identifiers: ClinVar variation 1494679 (VCV001494679.5), dbSNP rs762779955, ClinGen allele CA6080106.
Genomic context (GRCh38, chr11:64,755,296, plus strand): 5'-CTCAGGCTTCCAGCCCCCAGCCCAGGGGGTGACGCACATTATCATTGGGGTACAGGACAC[G>A]AGAGATGTTCTCCGCCAGGTTTCGGTCCAACACAGCCTGGATGTAGCCACCGACATTGAC-3'
Protein context (NP_005600.1, residues 268-288): LDRNLAENIS[Arg278Cys]VLYPNDNFFE

ClinVar aggregate classification (germline): Uncertain significance. Review status: criteria provided, multiple submitters, no conflicts (2 of 4 stars). 2 submissions from 2 submitters: Uncertain significance (2). Last evaluated 2026-06-01.

Conditions:
Glycogen storage disease, type V (GSD5). Also called: McArdle type glycogen storage disease; MCARDLE DISEASE; MUSCLE GLYCOGEN PHOSPHORYLASE DEFICIENCY; MYOPHOSPHORYLASE DEFICIENCY; PYGM DEFICIENCY. Identifiers: Orphanet 368, MedGen C0017924, MONDO:0009293, OMIM 232600.

Allele frequency attached by ClinVar (database versions not stated): TOPMed below 0.00001; gnomAD 0.00002; gnomAD exomes 0.00003 and 0.00006; ExAC 0.00008.
gnomAD v4.1: 51 of 1,613,960 alleles (0.0032%); highest among the groups gnomAD compares: South Asian, 0.047%; no homozygotes.

Submissions (2):

CeGaT Center for Human Genetics Tuebingen
Classification: Uncertain significance. Last evaluated: 2026-06-01. Review status: criteria provided, single submitter. Criteria: CeGaT Center For Human Genetics Tuebingen Variant Classification Criteria Version 2. Collection method: clinical testing. Allele origin: germline. Affected: yes. Observed: 1 variant allele.
Comment: PYGM: PM2, PP3

Labcorp Genetics (formerly Invitae), Labcorp
Classification: Uncertain significance for Glycogen storage disease, type V. Last evaluated: 2021-12-02. Review status: criteria provided, single submitter. Criteria: Invitae Variant Classification Sherloc (09022015). Collection method: clinical testing. Allele origin: germline.
Comment: This sequence change replaces arginine with cysteine at codon 278 of the PYGM protein (p.Arg278Cys). The arginine residue is highly conserved and there is a large physicochemical difference between arginine and cysteine. This variant is present in population databases (rs762779955, gnomAD 0.05%). This variant has not been reported in the literature in individuals affected with PYGM-related conditions. Algorithms developed to predict the effect of missense changes on protein structure and function are either unavailable or do not agree on the potential impact of this missense change (SIFT: "Not Available"; PolyPhen-2: "Probably Damaging"; Align-GVGD: "Not Available"). In summary, the available evidence is currently insufficient to determine the role of this variant in disease. Therefore, it has been classified as a Variant of Uncertain Significance.